The following is an entry in ClinVar:

ClinVar aggregate classification (germline): Uncertain significance. Review status: criteria provided, multiple submitters, no conflicts (2 of 4 stars). 2 submissions from 2 submitters: Uncertain significance (2). Last evaluated 2025-08-28.

Allele frequency attached by ClinVar (database versions not stated): gnomAD exomes 0.00003; ExAC 0.00006; gnomAD 0.00007; TOPMed 0.00007; ESP Exome Variant Server 0.00017.
gnomAD v4.1: 57 of 1,614,046 alleles (0.0035%); highest among the groups gnomAD compares: Non-Finnish European, 0.002%; no homozygotes.

Submissions (2):

Labcorp Genetics (formerly Invitae), Labcorp
Classification: Uncertain significance. Last evaluated: 2025-08-28. Review status: criteria provided, single submitter. Criteria: Invitae Variant Classification Sherloc (09022015). Collection method: clinical testing. Allele origin: germline.
Comment: This sequence change replaces arginine, which is basic and polar, with glycine, which is neutral and non-polar, at codon 1345 of the NPAT protein (p.Arg1345Gly). This variant is present in population databases (rs375513067, gnomAD 0.1%), and has an allele count higher than expected for a pathogenic variant. This variant has not been reported in the literature in individuals affected with NPAT-related conditions. ClinVar contains an entry for this variant (Variation ID: 2428348). An algorithm developed to predict the effect of missense changes on protein structure and function (PolyPhen-2) suggests that this variant is likely to be disruptive. In summary, the available evidence is currently insufficient to determine the role of this variant in disease. Therefore, it has been classified as a Variant of Uncertain Significance.

Ambry Genetics
Classification: Uncertain significance. Last evaluated: 2024-01-22. Review status: criteria provided, single submitter. Criteria: Ambry Variant Classification Scheme 2023. Collection method: clinical testing. Allele origin: germline.

NM_002519.3(NPAT):c.4033A>G (p.Arg1345Gly)

Gene: NPAT (nuclear protein, coactivator of histone transcription; minus strand). Cytogenetic location: 11q22.3.
Variant type: single nucleotide variant.
Coding change: c.4033A>G on transcript NM_002519.3 (MANE Select); coding-DNA position 4033, A replaced by G.
Protein change: p.Arg1345Gly; replaces arginine 1345 with glycine.
Molecular consequence: missense variant.
Genome position (GRCh38, 1-based): chr11:108,161,053, T>C on the plus strand (A>G on the coding strand, the complement: NPAT is on the minus strand). VCF-style: chr11-108161053-T-C. GRCh37 (hg19) VCF-style: chr11-108031780-T-C.
Other names: c.4033A>G (NM_002519.2); c.4054A>G, p.Arg1352Gly (NM_001321307.1); short protein forms R1345G, R1352G.
Identifiers: ClinVar variation 2428348 (VCV002428348.8), dbSNP rs375513067, ClinGen allele CA6263489.